The following is an entry in ClinVar:

NC_000019.10:g.12938397C>A

Genes: CALR (calreticulin; plus strand), LOC117125596 (CRISPRi-FlowFISH-validated RAD23A regulatory element 2; plus strand). Cytogenetic location: 19p13.13.
Variant type: single nucleotide variant.
Genome position: GRCh38 VCF-style: chr19-12938397-C-A. GRCh37 (hg19) VCF-style: chr19-13049211-C-A.
Identifiers: ClinVar variation 3048325 (VCV003048325.2), dbSNP rs757911363, ClinGen allele CA305512629.

ClinVar aggregate classification (germline): Likely benign (0 of 4 stars; one submission).

Conditions:
CALR-related disorder. Also called: CALR-related condition.

Allele frequency attached by ClinVar (database versions not stated): gnomAD 0.00009; TOPMed 0.00012.

Submission:

PreventionGenetics, part of Exact Sciences
Classification: Likely benign for CALR-related condition. Last evaluated: 2019-04-12. Review status: no assertion criteria provided. Collection method: clinical testing. Allele origin: germline.
Comment: This variant is classified as likely benign based on ACMG/AMP sequence variant interpretation guidelines (Richards et al. 2015 PMID: 25741868, with internal and published modifications).